The following is an entry in ClinVar:

ClinVar aggregate classification (germline): Uncertain significance (1 of 4 stars; one submission).

Conditions:
ANKRD12-related disorder. Also called: ANKRD12-related condition.

Submission:

PreventionGenetics, part of Exact Sciences
Classification: Uncertain significance for ANKRD12-related condition. Last evaluated: 2025-05-23. Review status: criteria provided, single submitter. Criteria: ACMG Guidelines, 2015. Collection method: clinical testing. Allele origin: germline.
Comment: The ANKRD12 c.2660A>G variant is predicted to result in the amino acid substitution p.Lys887Arg. To our knowledge, this variant has not been reported in the literature or in a large population database (gnomAD), indicating this variant is rare. At this time, the clinical significance of this variant is uncertain due to the absence of conclusive functional and genetic evidence.

NM_015208.5(ANKRD12):c.2660A>G (p.Lys887Arg)

Gene: ANKRD12 (ankyrin repeat domain 12; plus strand). Cytogenetic location: 18p11.22.
Variant type: single nucleotide variant.
Coding change: c.2660A>G on transcript NM_015208.5 (MANE Select); coding-DNA position 2660, A replaced by G.
Protein change: p.Lys887Arg; replaces lysine 887 with arginine.
Molecular consequence: missense variant.
Genome position (GRCh38, 1-based): chr18:9,255,927, A>G. VCF-style: chr18-9255927-A-G. GRCh37 (hg19) VCF-style: chr18-9255925-A-G.
Other names: c.2591A>G, p.Lys864Arg (NM_001083625.3, NM_001204056.1); short protein forms K864R, K887R.
Identifiers: ClinVar variation 4997421 (VCV004997421.1).